The following is an entry in ClinVar:

ClinVar aggregate classification (germline): Uncertain significance (1 of 4 stars; one submission).

Conditions:
Neurodevelopmental disorder with cataracts, poor growth, and dysmorphic facies. Identifiers: MedGen C5231414, MONDO:0032817, OMIM 618571.

gnomAD v4.1: 9 of 1,612,194 alleles (0.00056%); highest among the groups gnomAD compares: Admixed American, 0.0033%; no homozygotes.

Submission:

Laboratorio de Genetica e Diagnostico Molecular, Hospital Israelita Albert Einstein
Classification: Uncertain significance for Neurodevelopmental disorder with cataracts, poor growth, and dysmorphic facies. Last evaluated: 2024-07-31. Review status: criteria provided, single submitter. Criteria: ACMG Guidelines, 2015. Collection method: clinical testing. Allele origin: germline. Affected: yes.
Comment: ACMG classification criteria: PM2 supporting, BP4 supporting

NM_001080453.3(INTS1):c.5117G>A (p.Arg1706His)

Gene: INTS1 (integrator complex subunit 1; minus strand). Cytogenetic location: 7p22.3.
Variant type: single nucleotide variant.
Coding change: c.5117G>A on transcript NM_001080453.3 (MANE Select); coding-DNA position 5117, G replaced by A.
Protein change: p.Arg1706His; replaces arginine 1706 with histidine.
Molecular consequence: missense variant.
Genome position (GRCh38, 1-based): chr7:1,476,604, C>T on the plus strand (G>A on the coding strand, the complement: INTS1 is on the minus strand). VCF-style: chr7-1476604-C-T. GRCh37 (hg19) VCF-style: chr7-1516240-C-T.
Other names: short protein forms R1706H.
Identifiers: ClinVar variation 4056799 (VCV004056799.1).